The following is an entry in ClinVar:

NM_001379110.1(SLC9A6):c.2000C>T (p.Pro667Leu)

Gene: SLC9A6 (solute carrier family 9 member A6; plus strand). Cytogenetic location: Xq26.3.
Variant type: single nucleotide variant.
Coding change: c.2000C>T on transcript NM_001379110.1 (MANE Select); coding-DNA position 2000, C replaced by T.
Protein change: p.Pro667Leu; replaces proline 667 with leucine.
Molecular consequence: missense variant.
Genome position (GRCh38, 1-based): chrX:136,044,684, C>T. VCF-style: chrX-136044684-C-T. GRCh37 (hg19) VCF-style: chrX-135126843-C-T.
Other names: c.2066C>T, p.Pro689Leu (NM_001042537.2); c.1910C>T, p.Pro637Leu (NM_001177651.2); c.1814C>T, p.Pro605Leu (NM_001330652.2); c.1970C>T, p.Pro657Leu (NM_006359.3); short protein forms P657L, P667L, P637L, P689L, P605L.
Identifiers: ClinVar variation 1484244 (VCV001484244.8), dbSNP rs782228236, ClinGen allele CA336249946.

ClinVar aggregate classification (germline): Uncertain significance (1 of 4 stars; one submission).

Conditions:
Christianson syndrome (MRXSCH). Also called: X-linked mental retardation, syndromic, Christianson type; INTELLECTUAL DEVELOPMENTAL DISORDER, X-LINKED, SYNDROMIC, CHRISTIANSON TYPE; SLC9A6-Related Syndromic Mental Retardation. Identifiers: Orphanet 85278, MedGen C2678194, MONDO:0010278, OMIM 300243.

Allele frequency attached by ClinVar (database versions not stated): gnomAD exomes below 0.00001 and 0.00001.
gnomAD v4.1: 2 of 1,210,465 alleles (0.00017%); highest among the groups gnomAD compares: African/African-American, 0.0035%; no homozygotes.

Submission:

Labcorp Genetics (formerly Invitae), Labcorp
Classification: Uncertain significance for Christianson syndrome. Last evaluated: 2024-11-11. Review status: criteria provided, single submitter. Criteria: Invitae Variant Classification Sherloc (09022015). Collection method: clinical testing. Allele origin: germline.
Comment: This sequence change replaces proline, which is neutral and non-polar, with leucine, which is neutral and non-polar, at codon 657 of the SLC9A6 protein (p.Pro657Leu). This variant is present in population databases (rs782228236, gnomAD 0.008%), including at least one homozygous and/or hemizygous individual. This variant has not been reported in the literature in individuals affected with SLC9A6-related conditions. ClinVar contains an entry for this variant (Variation ID: 1484244). An algorithm developed to predict the effect of missense changes on protein structure and function (PolyPhen-2) suggests that this variant is likely to be tolerated. In summary, the available evidence is currently insufficient to determine the role of this variant in disease. Therefore, it has been classified as a Variant of Uncertain Significance.